The following is an entry in ClinVar:

ClinVar aggregate classification (germline): Uncertain significance. Review status: criteria provided, multiple submitters, no conflicts (2 of 4 stars). 2 submissions from 2 submitters: Uncertain significance (2). Last evaluated 2024-10-21.

Conditions:
Cardiovascular phenotype. Identifiers: MedGen CN230736.
Dilated cardiomyopathy 1JJ (CMD1JJ). Identifiers: Orphanet 154, MedGen C3808935, MONDO:0014095, OMIM 615235.

Submissions (2):

Ambry Genetics
Classification: Uncertain significance for Cardiovascular phenotype. Last evaluated: 2024-10-21. Review status: criteria provided, single submitter. Criteria: Ambry Variant Classification Scheme 2023. Collection method: clinical testing. Allele origin: germline.
Comment: The p.S1712P variant (also known as c.5134T>C), located in coding exon 36 of the LAMA4 gene, results from a T to C substitution at nucleotide position 5134. The serine at codon 1712 is replaced by proline, an amino acid with similar properties. This amino acid position is conserved. In addition, the in silico prediction for this alteration is inconclusive. Based on the available evidence, the clinical significance of this variant remains unclear.

Labcorp Genetics (formerly Invitae), Labcorp
Classification: Uncertain significance for Dilated cardiomyopathy 1JJ. Last evaluated: 2022-02-08. Review status: criteria provided, single submitter. Criteria: Invitae Variant Classification Sherloc (09022015). Collection method: clinical testing. Allele origin: germline.
Comment: This variant has not been reported in the literature in individuals affected with LAMA4-related conditions. In summary, the available evidence is currently insufficient to determine the role of this variant in disease. Therefore, it has been classified as a Variant of Uncertain Significance. Algorithms developed to predict the effect of missense changes on protein structure and function are either unavailable or do not agree on the potential impact of this missense change (SIFT: "Deleterious"; PolyPhen-2: "Possibly Damaging"; Align-GVGD: "Class C0"). This variant is not present in population databases (gnomAD no frequency). This sequence change replaces serine, which is neutral and polar, with proline, which is neutral and non-polar, at codon 1712 of the LAMA4 protein (p.Ser1712Pro).

NM_001105206.3(LAMA4):c.5155T>C (p.Ser1719Pro)

Gene: LAMA4 (laminin subunit alpha 4; minus strand). Cytogenetic location: 6q21.
Variant type: single nucleotide variant.
Coding change: c.5155T>C on transcript NM_001105206.3 (MANE Select); coding-DNA position 5155, T replaced by C.
Protein change: p.Ser1719Pro; replaces serine 1719 with proline.
Molecular consequence: missense variant.
Genome position (GRCh38, 1-based): chr6:112,114,714, A>G on the plus strand (T>C on the coding strand, the complement: LAMA4 is on the minus strand). VCF-style: chr6-112114714-A-G. GRCh37 (hg19) VCF-style: chr6-112435917-A-G.
Other names: c.5134T>C, p.Ser1712Pro (NM_001105207.3, NM_002290.5); short protein forms S1712P, S1719P.
Identifiers: ClinVar variation 2094517 (VCV002094517.5), dbSNP rs2546965790, ClinGen allele CA365364886.